The following continues an entry in ClinVar:

NM_000492.4(CFTR):c.91C>T (p.Arg31Cys)

Gene: CFTR. ClinVar aggregate classification (germline): Conflicting classifications of pathogenicity. Uncertain significance (9); Benign (3); Likely benign (7).

Submissions 15 to 21 of 21:

Fulgent Genetics
Classification: Uncertain significance for Hereditary pancreatitis; Bronchiectasis with or without elevated sweat chloride 1; Cystic fibrosis; Congenital bilateral aplasia of vas deferens from CFTR mutation. Last evaluated: 2017-05-23. Review status: criteria provided, single submitter. Criteria: ACMG Guidelines, 2015. Collection method: clinical testing. Allele origin: unknown.

Illumina Laboratory Services, Illumina
Classification: Uncertain significance for CFTR-Related Disorders. Last evaluated: 2017-04-27. Review status: criteria provided, single submitter. Criteria: ICSL Variant Classification Criteria 13 December 2019. Collection method: clinical testing. Allele origin: germline.
Comment: This variant was observed as part of a predisposition screen in an ostensibly healthy population. A literature search was performed for the gene, cDNA change, and amino acid change (where applicable). Publications were found based on this search. However, the evidence from the literature, in combination with allele frequency data from public databases where available, was not sufficient to rule this variant in or out of causing disease. Therefore, this variant is classified as a variant of unknown significance.

GeneDx
Classification: Uncertain significance. Last evaluated: 2017-02-16. Review status: criteria provided, single submitter. Criteria: GeneDx Variant Classification (06012015). Collection method: clinical testing. Allele origin: germline. Affected: yes.
Comment: The R31C variant in the CFTR gene was first identified in the homozygous state in an asymptomatic individual and reported as a benign polymorphism (Ghanem et al., 1994). Other publications have reported this variant in association with disseminated bronchiectasis (Girodon et al., 1997), idiopathic pancreatitis (Gomez Lira et al., 2001), and oligospermia (Gallati et al., 2009), though a second CFTR variant was not identified in these cases. The R31C variant was not observed with any significant frequency in approximately 6500 individuals of European and African American ancestry in the NHLBI Exome Sequencing Project, indicating it is not a common benign variant in these populations. The R31C variant is a non-conservative amino acid substitution, which is likely to impact secondary protein structure as these residues differ in polarity, charge, size and/or other properties. This substitution occurs at a position where amino acids with similar properties to Arginine are tolerated across species. In silico analysis predicts this variant is probably damaging to the protein structure/function. Functional studies performed show that R31C affects protein biogenesis, although the defect is not complete (Jurkuvenaite et al., 2006). While the R31C variant has been deemed not to be cystic fibrosis-causing (Sosnay et al., 2013), it is possible this variant may have reduced penetrance in association with CF-related disorders. We interpret R31C as a variant of unknown significance.

Women's Health and Genetics/Laboratory Corporation of America, LabCorp
Classification: Benign. Last evaluated: 2016-01-29. Review status: criteria provided, single submitter. Criteria: LabCorp Variant Classification Summary - May 2015. Collection method: clinical testing. Allele origin: germline.
Comment: Variant summary: c.91C>T affects a conserved nucleotide, resulting in amino acid change from Arg to Cys. 5/5 in-silico tools predict damaging outcome. This variant was found in 214/124456 control chromosomes at a frequency of 0.0017195, including 1 homozygous occurrence. This frequency does not significantly exceed maximal expected frequency of a pathogenic allele (0.0129603) for non-classic CF. This variant has been found in patients with atypical CF, ICP and asthma-like bronchopathy. CFTR2 database classified this variant as non-CF-casuing based on clinical and functional data (Sosnay_2013). A case-control study including more than 2000 samples showed odds ratio of this variant associated with pancreatitis was 0.42, suggesting this variant does not increase the risk to develop pancreatitis (LaRusch_2014). Taken together, this variant was classified as Benign.

PreventionGenetics, part of Exact Sciences
Classification: Likely benign. Review status: criteria provided, single submitter. Criteria: ACMG Guidelines, 2015. Collection method: clinical testing. Allele origin: germline.

Zotz-Klimas Genetics Lab, MVZ Zotz Klimas
Classification: Uncertain significance for Congenital bilateral aplasia of vas deferens from CFTR mutation. Last evaluated: 2023-10-30. Review status: no assertion criteria provided. Collection method: clinical testing. Allele origin: germline. Affected: yes. Not counted in ClinVar's aggregate classification.

Natera, Inc.
Classification: Benign for Cystic Fibrosis. Last evaluated: 2020-04-15. Review status: no assertion criteria provided. Collection method: clinical testing. Allele origin: germline. Not counted in ClinVar's aggregate classification.

Literature cited by the submitters: PubMed 16339147 (cited by 4 submitters); PubMed 17098482 (cited by Mayo Clinic Laboratories, Mayo Clinic and Quest Diagnostics Nichols Institute San Juan Capistrano); PubMed 20021716 (cited by 3 submitters); PubMed 22010920 (cited by Mayo Clinic Laboratories, Mayo Clinic); PubMed 23514810 (cited by Mayo Clinic Laboratories, Mayo Clinic and Quest Diagnostics Nichols Institute San Juan Capistrano); PubMed 23974870 (cited by 3 submitters); PubMed 25033378 (cited by 4 submitters); PubMed 25383785 (cited by 4 submitters); PubMed 25824995 (cited by Mayo Clinic Laboratories, Mayo Clinic and Quest Diagnostics Nichols Institute San Juan Capistrano); PubMed 30992994 (cited by Mayo Clinic Laboratories, Mayo Clinic and Quest Diagnostics Nichols Institute San Juan Capistrano); PubMed 34266939 (cited by Mayo Clinic Laboratories, Mayo Clinic); PubMed 34793977 (cited by Mayo Clinic Laboratories, Mayo Clinic); PubMed 34949556 (cited by Mayo Clinic Laboratories, Mayo Clinic and Quest Diagnostics Nichols Institute San Juan Capistrano); PubMed 35072004 (cited by Mayo Clinic Laboratories, Mayo Clinic); PubMed 35418593 (cited by Mayo Clinic Laboratories, Mayo Clinic); PubMed 35927127 (cited by Mayo Clinic Laboratories, Mayo Clinic); PubMed 36409994 (cited by Mayo Clinic Laboratories, Mayo Clinic); PubMed 36599151 (cited by Mayo Clinic Laboratories, Mayo Clinic); PubMed 36828084 (cited by Mayo Clinic Laboratories, Mayo Clinic); PubMed 37253358 (cited by Mayo Clinic Laboratories, Mayo Clinic); PubMed 37511222 (cited by Mayo Clinic Laboratories, Mayo Clinic); PubMed 37628659 (cited by Mayo Clinic Laboratories, Mayo Clinic); PubMed 37777263 (cited by Mayo Clinic Laboratories, Mayo Clinic); PubMed 37923102 (cited by Mayo Clinic Laboratories, Mayo Clinic); PubMed 38014586 (cited by Mayo Clinic Laboratories, Mayo Clinic); PubMed 38114870 (cited by Mayo Clinic Laboratories, Mayo Clinic); PubMed 38388235 (cited by Mayo Clinic Laboratories, Mayo Clinic); PubMed 38493004 (cited by Mayo Clinic Laboratories, Mayo Clinic); PubMed 38590877 (cited by Mayo Clinic Laboratories, Mayo Clinic); PubMed 38871151 (cited by Mayo Clinic Laboratories, Mayo Clinic); PubMed 12120234 (cited by 4 submitters); PubMed 26990548 (cited by Quest Diagnostics Nichols Institute San Juan Capistrano); PubMed 29997923 (cited by Quest Diagnostics Nichols Institute San Juan Capistrano); PubMed 34996830 (cited by Quest Diagnostics Nichols Institute San Juan Capistrano); PubMed 25869325 (cited by Quest Diagnostics Nichols Institute San Juan Capistrano); PubMed 22678879 (cited by Quest Diagnostics Nichols Institute San Juan Capistrano); PubMed 7522211 (cited by 3 submitters); PubMed 9272738 (cited by Quest Diagnostics Nichols Institute San Juan Capistrano); PubMed 25492507 (cited by Quest Diagnostics Nichols Institute San Juan Capistrano); PubMed 28544683 (cited by Quest Diagnostics Nichols Institute San Juan Capistrano and Ambry Genetics); PubMed 31350925 (cited by Quest Diagnostics Nichols Institute San Juan Capistrano); PubMed 12452372 (cited by Illumina Laboratory Services, Illumina); PubMed 15987793 (cited by Illumina Laboratory Services, Illumina); PubMed 14526128 (cited by Illumina Laboratory Services, Illumina); PubMed 19202204 (cited by Illumina Laboratory Services, Illumina).